The following is an entry in ClinVar:

ClinVar aggregate classification (germline): Pathogenic (1 of 4 stars; one submission).

Conditions:
Ehlers-Danlos syndrome, dermatosparaxis type. Also called: Dermatosparaxis; Ehlers-Danlos syndrome, type VII, autosomal recessive; EDS VIIC. Identifiers: Orphanet 1901, MedGen C2700425, MONDO:0009161, OMIM 225410.

Submission:

Labcorp Genetics (formerly Invitae), Labcorp
Classification: Pathogenic for Ehlers-Danlos syndrome, dermatosparaxis type. Last evaluated: 2022-09-26. Review status: criteria provided, single submitter. Criteria: Invitae Variant Classification Sherloc (09022015). Collection method: clinical testing. Allele origin: germline.
Comment: For these reasons, this variant has been classified as Pathogenic. This variant has not been reported in the literature in individuals affected with ADAMTS2-related conditions. This variant is a gross deletion of the genomic region encompassing exon(s) 4 of the ADAMTS2 gene. This deletion is out-of-frame, and is expected to create a premature termination codon and result in an absent or disrupted protein product. Loss-of-function variants in ADAMTS2 are known to be pathogenic (PMID: 10417273).

Literature cited by the submitters: PubMed 10417273.

NC_000005.9:g.(?_178634504)_(178634726_?)del

Gene: ADAMTS2 (ADAM metallopeptidase with thrombospondin type 1 motif 2; minus strand). Cytogenetic location: 5q35.3.
Variant type: Deletion.
Identifiers: ClinVar variation 2425918 (VCV002425918.6).